The following is an entry in ClinVar:

ClinVar aggregate classification (germline): Uncertain significance. Review status: criteria provided, multiple submitters, no conflicts (2 of 4 stars). 2 submissions from 2 submitters: Uncertain significance (2). Last evaluated 2026-01-25.

Conditions:
Cardiovascular phenotype. Identifiers: MedGen CN230736.
Long QT syndrome (LQTS). Identifiers: MedGen C0023976, MeSH D008133, MONDO:0002442. Disease mechanism: loss of function. Inheritance: Various modes of inheritance.

Allele frequency attached by ClinVar (database versions not stated): gnomAD exomes 0.00001.

Submissions (2):

Ambry Genetics
Classification: Uncertain significance for Cardiovascular phenotype. Last evaluated: 2026-01-25. Review status: criteria provided, single submitter. Criteria: Ambry Variant Classification Scheme 2023. Collection method: clinical testing. Allele origin: germline.
Comment: The p.N188S variant (also known as c.563A>G), located in coding exon 4 of the CACNA1C gene, results from an A to G substitution at nucleotide position 563. The asparagine at codon 188 is replaced by serine, an amino acid with highly similar properties. This amino acid position is conserved. In addition, the in silico prediction for this alteration is inconclusive. Based on the available evidence, the clinical significance of this variant remains unclear.

Labcorp Genetics (formerly Invitae), Labcorp
Classification: Uncertain significance for Long QT syndrome. Last evaluated: 2024-10-24. Review status: criteria provided, single submitter. Criteria: Invitae Variant Classification Sherloc (09022015). Collection method: clinical testing. Allele origin: germline.
Comment: This sequence change replaces asparagine, which is neutral and polar, with serine, which is neutral and polar, at codon 188 of the CACNA1C protein (p.Asn188Ser). The frequency data for this variant in the population databases is considered unreliable, as metrics indicate poor data quality at this position in the gnomAD database. This variant has not been reported in the literature in individuals affected with CACNA1C-related conditions. ClinVar contains an entry for this variant (Variation ID: 2414092). Invitae Evidence Modeling of protein sequence and biophysical properties (such as structural, functional, and spatial information, amino acid conservation, physicochemical variation, residue mobility, and thermodynamic stability) indicates that this missense variant is not expected to disrupt CACNA1C protein function with a negative predictive value of 95%. In summary, the available evidence is currently insufficient to determine the role of this variant in disease. Therefore, it has been classified as a Variant of Uncertain Significance.

NM_000719.7(CACNA1C):c.563A>G (p.Asn188Ser)

Gene: CACNA1C (calcium voltage-gated channel subunit alpha1 C; plus strand). Cytogenetic location: 12p13.33.
Variant type: single nucleotide variant.
Coding change: c.563A>G on transcript NM_000719.7 (MANE Select); coding-DNA position 563, A replaced by G.
Protein change: p.Asn188Ser; replaces asparagine 188 with serine.
Molecular consequence: missense variant.
Genome position (GRCh38, 1-based): chr12:2,449,061, A>G. VCF-style: chr12-2449061-A-G. GRCh37 (hg19) VCF-style: chr12-2558227-A-G.
Other names: c.563A>G, p.Asn188Ser (NM_001129838.2, NM_001129839.2, NM_001129840.2 and 19 more transcripts); short protein forms N188S.
Identifiers: ClinVar variation 2414092 (VCV002414092.8), dbSNP rs1272218211, ClinGen allele CA383367454.
Genomic context (GRCh38, chr12:2,449,061, plus strand): 5'-TAATTTTTACGGTGGAAGCGTTTTTAAAAGTAATCGCCTATGGACTCCTCTTTCACCCCA[A>G]TGCCTACCTCCGCAACGGCTGGAACCTACTAGATTTTATAATTGTGGTTGTGGGGTAAGT-3'
Protein context (NP_000710.5, residues 178-198): VIAYGLLFHP[Asn188Ser]AYLRNGWNLL